The following is an entry in ClinVar:

ClinVar aggregate classification (germline): Uncertain significance (1 of 4 stars; one submission).

Submission:

GeneDx
Classification: Uncertain significance. Last evaluated: 2021-02-01. Review status: criteria provided, single submitter. Criteria: GeneDx Variant Classification Process June 2021. Collection method: clinical testing. Allele origin: germline. Affected: yes.
Comment: Not observed in large population cohorts (Lek et al., 2016); Has not been previously published as pathogenic or benign to our knowledge; In silico analysis, which includes splice predictors and evolutionary conservation, suggests this variant may impact gene splicing. In the absence of RNA/functional studies, the actual effect of this sequence change is unknown.

NM_001162501.2(TNRC6B):c.2043G>T (p.Gly681=)

Gene: TNRC6B (trinucleotide repeat containing adaptor 6B; plus strand). Cytogenetic location: 22q13.1.
Variant type: single nucleotide variant.
Coding change: c.2043G>T on transcript NM_001162501.2 (MANE Select); coding-DNA position 2043, G replaced by T.
Protein change: p.Gly681=; no amino-acid change (glycine 681 retained).
Molecular consequence: synonymous variant. On other transcripts: intron variant (1).
Genome position (GRCh38, 1-based): chr22:40,266,273, G>T. VCF-style: chr22-40266273-G-T. GRCh37 (hg19) VCF-style: chr22-40662277-G-T.
Other names: c.2043G>T, p.Gly681= (NM_015088.3); c.566-3849G>T (NM_001024843.2).
Identifiers: ClinVar variation 1318949 (VCV001318949.2), dbSNP rs1569045324, ClinGen allele CA514789159.